The following is an entry in ClinVar:

ClinVar aggregate classification (germline): Uncertain significance (1 of 4 stars; one submission).

Allele frequency attached by ClinVar (database versions not stated): gnomAD exomes below 0.00001.
gnomAD v4.1: 1 of 1,614,224 alleles (0.000062%); highest among the groups gnomAD compares: Non-Finnish European, 0.000085%; no homozygotes.

Submission:

Labcorp Genetics (formerly Invitae), Labcorp
Classification: Uncertain significance. Last evaluated: 2025-03-17. Review status: criteria provided, single submitter. Criteria: Invitae Variant Classification Sherloc (09022015). Collection method: clinical testing. Allele origin: germline.
Comment: This sequence change replaces proline, which is neutral and non-polar, with alanine, which is neutral and non-polar, at codon 375 of the CNTNAP1 protein (p.Pro375Ala). This variant is not present in population databases (gnomAD no frequency). This variant has not been reported in the literature in individuals affected with CNTNAP1-related conditions. ClinVar contains an entry for this variant (Variation ID: 1377714). An algorithm developed to predict the effect of missense changes on protein structure and function (PolyPhen-2) suggests that this variant is likely to be disruptive. In summary, the available evidence is currently insufficient to determine the role of this variant in disease. Therefore, it has been classified as a Variant of Uncertain Significance.

NM_003632.3(CNTNAP1):c.1123C>G (p.Pro375Ala)

Gene: CNTNAP1 (contactin associated protein 1; plus strand). Cytogenetic location: 17q21.2.
Variant type: single nucleotide variant.
Coding change: c.1123C>G on transcript NM_003632.3 (MANE Select); coding-DNA position 1123, C replaced by G.
Protein change: p.Pro375Ala; replaces proline 375 with alanine.
Molecular consequence: missense variant.
Genome position (GRCh38, 1-based): chr17:42,687,798, C>G. VCF-style: chr17-42687798-C-G. GRCh37 (hg19) VCF-style: chr17-40839816-C-G.
Other names: short protein forms P375A.
Identifiers: ClinVar variation 1377714 (VCV001377714.8), dbSNP rs2143655669, ClinGen allele CA399637782.
Genomic context (GRCh38, chr17:42,687,798, plus strand): 5'-TGCCTGGACCCGGTACCGCACCCTATCAACTTCGGAGGCCCTCACAACTTCGTTCAAGTG[C>G]CCGGTTTCCCACGCCGTGGCCGCCTGGCAGTCTCATTTCGCTTCCGCACCTGGGACCTCA-3'
Protein context (NP_003623.1, residues 365-385): FGGPHNFVQV[Pro375Ala]GFPRRGRLAV